The following is an entry in ClinVar:

NM_000135.4(FANCA):c.978_979del (p.Gln326fs)

Gene: FANCA (FA complementation group A; minus strand). Cytogenetic location: 16q24.3.
Variant type: Deletion.
Coding change: c.978_979del on transcript NM_000135.4 (MANE Select); coding-DNA positions 978 to 979, 2 bases deleted (GA; older notation c.978_979delGA).
Protein change: p.Gln326fs; shifts the reading frame from glutamine 326.
Molecular consequence: frameshift variant.
Genome position (GRCh38, 1-based): chr16:89,795,933-89,795,934, TC deleted on the plus strand (GA on the coding strand, the reverse complement: FANCA is on the minus strand); deleting any 2 consecutive bases within chr16:89,795,933-89,795,935 gives the same sequence; the c. name uses the placement nearest the transcript's 3' end. VCF-style (leftmost placement, unchanged base first): chr16-89795932-ATC-A. GRCh37 (hg19) VCF-style: chr16-89862340-ATC-A.
Other names: c.978_979del, p.Gln326fs (NM_001286167.3); short protein forms Q326fs.
Identifiers: ClinVar variation 974301 (VCV000974301.1), dbSNP rs2040231133, ClinGen allele CA1139664969.

ClinVar aggregate classification (germline): Pathogenic (0 of 4 stars; one submission).

Conditions:
Fanconi anemia complementation group A (FANCA). Also called: Fanconi anemia, group A; FANCA-Related Fanconi Anemia. Identifiers: Orphanet 84, MedGen C3469521, MONDO:0009215, OMIM 227650.

Submission:

Leiden Open Variation Database
Classification: Pathogenic for Fanconi anemia complementation group A. Last evaluated: 2020-02-28. Review status: no assertion criteria provided. Collection method: curation. Allele origin: germline. Affected: yes.
Comment: Curator: Arleen D. Auerbach. Submitter to LOVD: Arleen D. Auerbach.

Literature cited by the submitters: PubMed 15523645.